The following is an entry in ClinVar:

NM_002890.3(RASA1):c.2808T>G (p.Ser936=)

Genes: CCNH (cyclin H; minus strand), RASA1 (RAS p21 protein activator 1; plus strand). Cytogenetic location: 5q14.3.
Variant type: single nucleotide variant.
Coding change: c.2808T>G on transcript NM_002890.3 (MANE Select); coding-DNA position 2808, T replaced by G.
Protein change: p.Ser936=; no amino-acid change (serine 936 retained).
Molecular consequence: synonymous variant. On other transcripts: intron variant (1).
Genome position (GRCh38, 1-based): chr5:87,385,350, T>G. VCF-style: chr5-87385350-T-G. GRCh37 (hg19) VCF-style: chr5-86681167-T-G.
Other names: p.Ser936=; c.2277T>G, p.Ser759= (NM_022650.3); c.933+9694A>C (NM_001364075.2).
Identifiers: ClinVar variation 2154329 (VCV002154329.4), dbSNP rs754906693, ClinGen allele CA3336117.
Genomic context (GRCh38, chr5:87,385,350, plus strand): 5'-TTCTGTTACAGATTCTCCATCTCCTATTGCTGCAAGAACACTGATATTAGTGGCTAAATC[T>G]GTGCAGAACTTAGCAAATCTTGTGGAATTTGGAGCTAAGGTAAAAACATTTTGATACTTT-3'
Protein context (NP_002881.1, residues 926-946): AARTLILVAK[Ser936=]VQNLANLVEF

ClinVar aggregate classification (germline): Likely benign. Review status: criteria provided, multiple submitters, no conflicts (2 of 4 stars). 3 submissions from 3 submitters: Likely benign (3). Last evaluated 2025-09-28.

Conditions:
Capillary malformation-arteriovenous malformation syndrome. Also called: Capillary malformation-arteriovenous malformation. Identifiers: Orphanet 137667, MedGen C1842180, MONDO:0012016.
Cardiovascular phenotype. Identifiers: MedGen CN230736.

Allele frequency attached by ClinVar (database versions not stated): TOPMed 0.00001; gnomAD exomes 0.00001; gnomAD 0.00001; ExAC 0.00002.
gnomAD v4.1: 10 of 1,611,150 alleles (0.00062%); highest among the groups gnomAD compares: Middle Eastern, 0.016%; no homozygotes.

Submissions (3):

Labcorp Genetics (formerly Invitae), Labcorp
Classification: Likely benign for Capillary malformation-arteriovenous malformation syndrome. Last evaluated: 2025-09-28. Review status: criteria provided, single submitter. Criteria: Invitae Variant Classification Sherloc (09022015). Collection method: clinical testing. Allele origin: germline.

Mayo Clinic Laboratories, Mayo Clinic
Classification: Likely benign. Last evaluated: 2025-07-01. Review status: criteria provided, single submitter. Criteria: ACMG Guidelines, 2015. Collection method: clinical testing. Allele origin: germline. Observed: 1 variant allele.
Comment: BP4, BP7

Ambry Genetics
Classification: Likely benign for Cardiovascular phenotype. Last evaluated: 2024-09-05. Review status: criteria provided, single submitter. Criteria: Ambry Variant Classification Scheme 2023. Collection method: clinical testing. Allele origin: germline.